The following is an entry in ClinVar:

NM_000553.6(WRN):c.4116_4118del (p.Arg1373del)

Gene: WRN (WRN RecQ like helicase; plus strand). Cytogenetic location: 8p12.
Variant type: Deletion.
Coding change: c.4116_4118del on transcript NM_000553.6 (MANE Select); coding-DNA positions 4116 to 4118, 3 bases deleted (GAG; older notation c.4116_4118delGAG).
Protein change: p.Arg1373del; deletes arginine 1373.
Molecular consequence: inframe deletion.
Genome position (GRCh38, 1-based): chr8:31,167,155-31,167,157, GAG deleted; deleting any 3 consecutive bases within chr8:31,167,153-31,167,157 gives the same sequence; the c. name uses the placement nearest the transcript's 3' end. VCF-style (leftmost placement, unchanged base first): chr8-31167152-AAGG-A. GRCh37 (hg19) VCF-style: chr8-31024668-AAGG-A.
Other names: short protein forms R1373del.
Identifiers: ClinVar variation 934286 (VCV000934286.6), dbSNP rs1803926590, ClinGen allele CA1139660441.

ClinVar aggregate classification (germline): Uncertain significance (1 of 4 stars; one submission).

Conditions:
Werner syndrome (WRN). Identifiers: Orphanet 902, MedGen C0043119, MONDO:0010196, OMIM 277700.

Submission:

Labcorp Genetics (formerly Invitae), Labcorp
Classification: Uncertain significance for Werner syndrome. Last evaluated: 2019-07-19. Review status: criteria provided, single submitter. Criteria: Invitae Variant Classification Sherloc (09022015). Collection method: clinical testing. Allele origin: germline.
Comment: Experimental studies and prediction algorithms are not available or were not evaluated for this variant, and the functional significance of the affected amino acid(s) is currently unknown. In summary, the available evidence is currently insufficient to determine the role of this variant in disease. Therefore, it has been classified as a Variant of Uncertain Significance. This variant has not been reported in the literature in individuals with WRN-related conditions. This variant, c.4116_4118del, results in the deletion of 1 amino acid(s) of the WRN protein (p.Arg1373del), but otherwise preserves the integrity of the reading frame. This variant is not present in population databases (ExAC no frequency).